The following is an entry in ClinVar:

NM_001173990.3(TMEM216):c.382T>C (p.Cys128Arg)

Gene: TMEM216 (transmembrane protein 216; plus strand). Cytogenetic location: 11q12.2.
Variant type: single nucleotide variant.
Coding change: c.382T>C on transcript NM_001173990.3 (MANE Select); coding-DNA position 382, T replaced by C.
Protein change: p.Cys128Arg; replaces cysteine 128 with arginine.
Molecular consequence: missense variant.
Genome position (GRCh38, 1-based): chr11:61,397,926, T>C. VCF-style: chr11-61397926-T-C. GRCh37 (hg19) VCF-style: chr11-61165398-T-C.
Other names: c.382T>C, p.Cys128Arg (NM_001173991.3); c.199T>C, p.Cys67Arg (NM_001330285.2, NM_016499.6); short protein forms C128R, C67R.
Identifiers: ClinVar variation 878935 (VCV000878935.6), dbSNP rs35314485, ClinGen allele CA6034759.

ClinVar aggregate classification (germline): Uncertain significance. Review status: criteria provided, multiple submitters, no conflicts (2 of 4 stars). 3 submissions from 2 submitters: Uncertain significance (3). Last evaluated 2022-02-28.

Conditions:
Joubert syndrome. Also called: CEREBELLOPARENCHYMAL DISORDER IV; JOUBERT-BOLTSHAUSER SYNDROME; Familial aplasia of the vermis. Identifiers: Orphanet 475, MedGen C5979921, MONDO:0018772.
Joubert syndrome 2 (JBTS2). Also called: CEREBELLOOCULORENAL SYNDROME 2. Identifiers: Orphanet 2318, MedGen C1842577, MONDO:0011963, OMIM 608091.
Meckel syndrome, type 2 (MKS2). Also called: MECKEL-GRUBER SYNDROME, TYPE 2; MKS2-Related Meckel Syndrome. Identifiers: Orphanet 564, MedGen C1864148, MONDO:0011296, OMIM 603194.

Allele frequency attached by ClinVar (database versions not stated): ExAC 0.00002; gnomAD exomes 0.00002; TOPMed 0.00002; gnomAD 0.00003.
gnomAD v4.1: 39 of 1,613,908 alleles (0.0024%); highest among the groups gnomAD compares: Non-Finnish European, 0.0033%; no homozygotes.

Submissions (3):

Labcorp Genetics (formerly Invitae), Labcorp
Classification: Uncertain significance for Joubert syndrome. Last evaluated: 2022-02-28. Review status: criteria provided, single submitter. Criteria: Invitae Variant Classification Sherloc (09022015). Collection method: clinical testing. Allele origin: germline.
Comment: This sequence change replaces cysteine, which is neutral and slightly polar, with arginine, which is basic and polar, at codon 128 of the TMEM216 protein (p.Cys128Arg). This variant is present in population databases (rs35314485, gnomAD 0.004%). This variant has not been reported in the literature in individuals affected with TMEM216-related conditions. ClinVar contains an entry for this variant (Variation ID: 878935). Algorithms developed to predict the effect of missense changes on protein structure and function are either unavailable or do not agree on the potential impact of this missense change (SIFT: "Deleterious"; PolyPhen-2: "Possibly Damaging"; Align-GVGD: "Class C0"). In summary, the available evidence is currently insufficient to determine the role of this variant in disease. Therefore, it has been classified as a Variant of Uncertain Significance.

Illumina Laboratory Services, Illumina
Classification: Uncertain significance for Joubert syndrome 2. Last evaluated: 2017-04-27. Review status: criteria provided, single submitter. Criteria: ICSL Variant Classification Criteria 13 December 2019. Collection method: clinical testing. Allele origin: germline.

Illumina Laboratory Services, Illumina
Classification: Uncertain significance for Meckel syndrome, type 2. Last evaluated: 2017-04-27. Review status: criteria provided, single submitter. Criteria: ICSL Variant Classification Criteria 13 December 2019. Collection method: clinical testing. Allele origin: germline.